The following is an entry in ClinVar:

NM_024642.5(GALNT12):c.840C>T (p.Asp280=)

Gene: GALNT12 (polypeptide N-acetylgalactosaminyltransferase 12; plus strand). Cytogenetic location: 9q22.33.
Variant type: single nucleotide variant.
Coding change: c.840C>T on transcript NM_024642.5 (MANE Select); coding-DNA position 840, C replaced by T.
Protein change: p.Asp280=; no amino-acid change (aspartic acid 280 retained).
Molecular consequence: synonymous variant.
Genome position (GRCh38, 1-based): chr9:98,831,880, C>T. VCF-style: chr9-98831880-C-T. GRCh37 (hg19) VCF-style: chr9-101594162-C-T.
Identifiers: ClinVar variation 416222 (VCV000416222.24), dbSNP rs150946638, ClinGen allele CA5154075.
Genomic context (GRCh38, chr9:98,831,880, plus strand): 5'-CGACTGGAACACCTTCGAATACCTGGGGAACTCCGGGGAGCCCCAGATCGGCGGTTTCGA[C>T]TGGAGGCTGGTGTTCACGTGGCACACAGTTCCTGAGAGGGAGAGGATACGGATGCAATCC-3'
Protein context (NP_078918.3, residues 270-290): NSGEPQIGGF[Asp280=]WRLVFTWHTV

ClinVar aggregate classification (germline): Benign/Likely benign. Review status: criteria provided, multiple submitters, no conflicts (2 of 4 stars). 8 submissions from 8 submitters: Benign (3); Likely benign (4). 1 of the submissions does not count toward it. Last evaluated 2026-04-24.

Conditions:
GALNT12-related disorder. Also called: GALNT12-related condition.
Colorectal cancer, susceptibility to, 1. Also called: COLORECTAL ADENOMA AND CANCER, SUSCEPTIBILITY TO; COLORECTAL CANCER, SUSCEPTIBILITY TO, ON CHROMOSOME 9. Identifiers: MedGen C1837315, MONDO:0012132, OMIM 608812.

Allele frequency attached by ClinVar (database versions not stated): TOPMed 0.00037; gnomAD exomes 0.00039 and 0.00044; ExAC 0.00048; gnomAD 0.00050 and 0.00054; ESP Exome Variant Server 0.00062.
gnomAD v4.1: 651 of 1,614,140 alleles (0.04%); highest among the groups gnomAD compares: Non-Finnish European, 0.047%; 3 homozygotes.

Submissions (8):

Myriad Genetics, Inc.
Classification: Benign for Colorectal cancer, susceptibility to, 1. Last evaluated: 2026-04-24. Review status: criteria provided, single submitter. Criteria: Myriad Autosomal Dominant, Autosomal Recessive and X-Linked Classification Criteria (2023). Collection method: clinical testing. Allele origin: unknown.
Comment: This variant is considered benign. This variant is a silent/synonymous amino acid change and it is not expected to impact splicing.

Labcorp Genetics (formerly Invitae), Labcorp
Classification: Benign. Last evaluated: 2026-01-28. Review status: criteria provided, single submitter. Criteria: Invitae Variant Classification Sherloc (09022015). Collection method: clinical testing. Allele origin: germline.

Quest Diagnostics Nichols Institute San Juan Capistrano
Classification: Benign. Last evaluated: 2025-08-28. Review status: criteria provided, single submitter. Criteria: Quest Diagnostics criteria. Collection method: clinical testing. Allele origin: unknown.

Blueprint Genetics
Classification: Likely benign. Last evaluated: 2024-11-26. Review status: criteria provided, single submitter. Criteria: ACMG Guidelines, 2015. Collection method: clinical testing. Allele origin: germline.

Department of Pathology and Laboratory Medicine, Sinai Health System
Classification: Likely benign for Colorectal cancer, susceptibility to, 1. Last evaluated: 2023-11-15. Review status: criteria provided, single submitter. Criteria: ACMG Guidelines, 2015. Collection method: clinical testing. Allele origin: germline. Affected: yes.

GeneDx
Classification: Likely benign. Last evaluated: 2021-05-24. Review status: criteria provided, single submitter. Criteria: GeneDx Variant Classification Process June 2021. Collection method: clinical testing. Allele origin: germline. Affected: yes.

Ambry Genetics
Classification: Likely benign. Last evaluated: 2016-09-21. Review status: criteria provided, single submitter. Criteria: Ambry Variant Classification Scheme 2023. Collection method: clinical testing. Allele origin: germline.

PreventionGenetics, part of Exact Sciences
Classification: Likely benign for GALNT12-related condition. Last evaluated: 2022-01-06. Review status: no assertion criteria provided. Collection method: clinical testing. Allele origin: germline. Not counted in ClinVar's aggregate classification.
Comment: This variant is classified as likely benign based on ACMG/AMP sequence variant interpretation guidelines (Richards et al. 2015 PMID: 25741868, with internal and published modifications).